The following is an entry in ClinVar:

NM_000282.4(PCCA):c.290A>G (p.Asp97Gly)

Gene: PCCA (propionyl-CoA carboxylase subunit alpha; plus strand). Cytogenetic location: 13q32.3.
Variant type: single nucleotide variant.
Coding change: c.290A>G on transcript NM_000282.4 (MANE Select); coding-DNA position 290, A replaced by G.
Protein change: p.Asp97Gly; replaces aspartic acid 97 with glycine.
Molecular consequence: missense variant. On other transcripts: 5 prime UTR variant (3), non-coding transcript variant (5).
Genome position (GRCh38, 1-based): chr13:100,112,051, A>G. VCF-style: chr13-100112051-A-G. GRCh37 (hg19) VCF-style: chr13-100764305-A-G.
Other names: c.212A>G, p.Asp71Gly (NM_001127692.3, NM_001352607.2, NM_001352608.2); c.290A>G, p.Asp97Gly (NM_001178004.2, NM_001352605.2, NM_001352606.2 and 1 more transcripts); c.-577A>G (NM_001352610.2, NM_001352611.2, NM_001352612.2); short protein forms D97G, D71G.
Identifiers: ClinVar variation 1980249 (VCV001980249.2), dbSNP rs2542289469, ClinGen allele CA388693213.

ClinVar aggregate classification (germline): Conflicting classifications of pathogenicity. Review status: criteria provided, conflicting classifications (1 of 4 stars). 2 submissions from 2 submitters: Likely pathogenic (1); Uncertain significance (1). Last evaluated 2026-10-12.

Conditions:
Inborn errors of metabolism. Also called: Inborn error of metabolism. Identifiers: Orphanet 68367, MedGen C0025521, MONDO:0019052.
Propionic acidemia (PROP). Also called: GLYCINEMIA, KETOTIC; HYPERGLYCINEMIA WITH KETOACIDOSIS AND LEUKOPENIA; KETOTIC HYPERGLYCINEMIA. Identifiers: Orphanet 35, MedGen C0268579, MONDO:0011628, OMIM 606054, HP:0003571.

gnomAD v4.1: 27 of 1,609,590 alleles (0.0017%); highest among the groups gnomAD compares: Non-Finnish European, 0.0022%; no homozygotes.

Submissions (2):

North West Genomic Laboratory Hub, Manchester University NHS Foundation Trust
Classification: Likely pathogenic for Inborn error of metabolism. Last evaluated: 2026-10-12. Review status: criteria provided, single submitter. Criteria: ACGS Best Practice Guidelines for Variant Classification in Rare Disease 2024. Collection method: clinical testing. Allele origin: germline. Affected: yes.
Comment: PM3_Supp PP4_Mod PP3_Supp PM2_Mod

Labcorp Genetics (formerly Invitae), Labcorp
Classification: Uncertain significance for Propionic acidemia. Last evaluated: 2022-05-19. Review status: criteria provided, single submitter. Criteria: Invitae Variant Classification Sherloc (09022015). Collection method: clinical testing. Allele origin: germline.
Comment: This sequence change replaces aspartic acid, which is acidic and polar, with glycine, which is neutral and non-polar, at codon 97 of the PCCA protein (p.Asp97Gly). This variant is not present in population databases (gnomAD no frequency). This variant has not been reported in the literature in individuals affected with PCCA-related conditions. Advanced modeling of protein sequence and biophysical properties (such as structural, functional, and spatial information, amino acid conservation, physicochemical variation, residue mobility, and thermodynamic stability) performed at Invitae indicates that this missense variant is expected to disrupt PCCA protein function. In summary, the available evidence is currently insufficient to determine the role of this variant in disease. Therefore, it has been classified as a Variant of Uncertain Significance.